The following is an entry in ClinVar:

ClinVar aggregate classification (germline): Uncertain significance (1 of 4 stars; one submission).

Conditions:
Epidermolysis bullosa simplex with nail dystrophy (EBS5D). Identifiers: MedGen C4225309, MONDO:0014661, OMIM 616487.
Epidermolysis bullosa simplex 5B, with muscular dystrophy (EBS5B). Also called: EPIDERMOLYSIS BULLOSA SIMPLEX AND LIMB-GIRDLE MUSCULAR DYSTROPHY; Epidermolysis bullosa simplex with muscular dystrophy. Identifiers: Orphanet 257, MedGen C2931072, MONDO:0009181, OMIM 226670.
Epidermolysis bullosa simplex 5C, with pyloric atresia (EBS5C). Also called: PLEC-Related Epidermolysis Bullosa with Pyloric Atresia; Epidermolysis bullosa simplex with pyloric atresia; PLEC1-Related Epidermolysis Bullosa with Pyloric Atresia. Identifiers: Orphanet 158684, MedGen C2677349, MONDO:0012807, OMIM 612138.
Autosomal recessive limb-girdle muscular dystrophy type 2Q (LGMDR17). Also called: MUSCULAR DYSTROPHY, LIMB-GIRDLE, AUTOSOMAL RECESSIVE 17. Identifiers: Orphanet 254361, MedGen C3150989, MONDO:0013390, OMIM 613723.
Epidermolysis bullosa simplex, Ogna type (EBS5A). Also called: Pidermolysis bullosa simplex 5A, Ogna type; EPIDERMOLYSIS BULLOSA SIMPLEX 5A, OGNA TYPE. Identifiers: Orphanet 79401, MedGen C0432317, MONDO:0007555, OMIM 131950.

Allele frequency attached by ClinVar (database versions not stated): gnomAD 0.00001; gnomAD exomes 0.00001.
gnomAD v4.1: 19 of 1,613,802 alleles (0.0012%); highest among the groups gnomAD compares: Non-Finnish European, 0.0015%; no homozygotes.

Submission:

Labcorp Genetics (formerly Invitae), Labcorp
Classification: Uncertain significance for Autosomal recessive limb-girdle muscular dystrophy type 2Q; Epidermolysis bullosa simplex, Ogna type; Epidermolysis bullosa simplex with nail dystrophy; Epidermolysis bullosa simplex 5C, with pyloric atresia; Epidermolysis bullosa simplex 5B, with muscular dystrophy. Last evaluated: 2025-10-01. Review status: criteria provided, single submitter. Criteria: Invitae Variant Classification Sherloc (09022015). Collection method: clinical testing. Allele origin: germline.
Comment: This sequence change replaces cysteine, which is neutral and slightly polar, with tyrosine, which is neutral and polar, at codon 3557 of the PLEC protein (p.Cys3557Tyr). This variant is present in population databases (rs763436354, gnomAD 0.007%). This variant has not been reported in the literature in individuals affected with PLEC-related conditions. ClinVar contains an entry for this variant (Variation ID: 2930364). Invitae Evidence Modeling of protein sequence and biophysical properties (such as structural, functional, and spatial information, amino acid conservation, physicochemical variation, residue mobility, and thermodynamic stability) indicates that this missense variant is not expected to disrupt PLEC protein function with a negative predictive value of 80%. In summary, the available evidence is currently insufficient to determine the role of this variant in disease. Therefore, it has been classified as a Variant of Uncertain Significance.

NM_201384.3(PLEC):c.10589G>A (p.Cys3530Tyr)

Gene: PLEC (plectin; minus strand). Cytogenetic location: 8q24.3.
Variant type: single nucleotide variant.
Coding change: c.10589G>A on transcript NM_201384.3 (MANE Select); coding-DNA position 10589, G replaced by A.
Protein change: p.Cys3530Tyr; replaces cysteine 3530 with tyrosine.
Molecular consequence: missense variant.
Genome position (GRCh38, 1-based): chr8:143,919,232, C>T on the plus strand (G>A on the coding strand, the complement: PLEC is on the minus strand). VCF-style: chr8-143919232-C-T. GRCh37 (hg19) VCF-style: chr8-144993400-C-T.
Other names: c.10547G>A, p.Cys3516Tyr (NM_201378.4); c.10523G>A, p.Cys3508Tyr (NM_201379.3); c.11000G>A, p.Cys3667Tyr (NM_201380.4); c.10493G>A, p.Cys3498Tyr (NM_201381.3); c.10589G>A, p.Cys3530Tyr (NM_201382.4); c.10601G>A, p.Cys3534Tyr (NM_201383.3); c.10670G>A, p.Cys3557Tyr (NM_000445.5); c.7289G>A, p.Cys2430Tyr (NM_001410941.1); short protein forms C3498Y, C3557Y, C2430Y, C3534Y, C3667Y, C3508Y, C3516Y, C3530Y.
Identifiers: ClinVar variation 2930364 (VCV002930364.3), dbSNP rs763436354, ClinGen allele CA187608771.